The following is an entry in ClinVar:

ClinVar aggregate classification (germline): Uncertain significance (1 of 4 stars; one submission).

gnomAD v4.1: 3 of 1,593,382 alleles (0.00019%); highest among the groups gnomAD compares: African/African-American, 0.004%; no homozygotes.

Submission:

Mayo Clinic Laboratories, Mayo Clinic
Classification: Uncertain significance. Last evaluated: 2025-04-07. Review status: criteria provided, single submitter. Criteria: ACMG Guidelines, 2015. Collection method: clinical testing. Allele origin: germline. Observed: 1 variant allele.
Comment: BP4_strong

NM_172351.3(CD46):c.292A>G (p.Thr98Ala)

Gene: CD46 (CD46 molecule; plus strand). Cytogenetic location: 1q32.2.
Variant type: single nucleotide variant.
Coding change: c.292A>G on transcript NM_172351.3 (MANE Select); coding-DNA position 292, A replaced by G.
Protein change: p.Thr98Ala; replaces threonine 98 with alanine.
Molecular consequence: missense variant.
Genome position (GRCh38, 1-based): chr1:207,757,545, A>G. VCF-style: chr1-207757545-A-G. GRCh37 (hg19) VCF-style: chr1-207930890-A-G.
Other names: p.Thr98Ala; c.292A>G, p.Thr98Ala (NM_002389.4, NM_153826.4, NM_172350.3 and 8 more transcripts); short protein forms T98A.
Identifiers: ClinVar variation 4542178 (VCV004542178.1).